The following is an entry in ClinVar:

NM_000179.3(MSH6):c.1701G>A (p.Lys567=)

Gene: MSH6 (mutS homolog 6; plus strand). Cytogenetic location: 2p16.3.
Variant type: single nucleotide variant.
Coding change: c.1701G>A on transcript NM_000179.3 (MANE Select); coding-DNA position 1701, G replaced by A.
Protein change: p.Lys567=; no amino-acid change (lysine 567 retained).
Molecular consequence: synonymous variant. On other transcripts: non-coding transcript variant (4), intron variant (2).
Genome position (GRCh38, 1-based): chr2:47,799,684, G>A. VCF-style: chr2-47799684-G-A. GRCh37 (hg19) VCF-style: chr2-48026823-G-A.
Other names: c.1311G>A, p.Lys437= (NM_001281492.2); c.795G>A, p.Lys265= (NM_001281493.2, NM_001281494.2, NM_001406811.1 and 6 more transcripts); c.1797G>A, p.Lys599= (NM_001406795.1, NM_001406802.1); c.1701G>A, p.Lys567= (NM_001406796.1, NM_001406798.1, NM_001406800.1 and 3 more transcripts); c.1404G>A, p.Lys468= (NM_001406797.1, NM_001406801.1, NM_001406805.1 and 10 more transcripts); c.1176G>A, p.Lys392= (NM_001406799.1, NM_001406806.1, NM_001406807.1); c.1623G>A, p.Lys541= (NM_001406804.1); c.1707G>A, p.Lys569= (NM_001406813.1); and 3 more.
Identifiers: ClinVar variation 3904217 (VCV003904217.1).

ClinVar aggregate classification (germline): Benign (1 of 4 stars; one submission).

Conditions:
Lynch syndrome 5 (LYNCH5). Also called: Colorectal cancer, hereditary nonpolyposis, type 5; Hereditary non-polyposis colorectal cancer, type 5. Identifiers: Orphanet 144, MedGen C1833477, MONDO:0013710, OMIM 614350. Disease mechanism: loss of function.

Submission:

Myriad Genetics, Inc.
Classification: Benign for Lynch syndrome 5. Last evaluated: 2024-12-27. Review status: criteria provided, single submitter. Criteria: Myriad Autosomal Dominant, Autosomal Recessive and X-Linked Classification Criteria (2023). Collection method: clinical testing. Allele origin: unknown.
Comment: This variant is considered benign. This variant is a silent/synonymous amino acid change and it is not expected to impact splicing.